The following is an entry in ClinVar:

NM_000101.4(CYBA):c.34G>A (p.Glu12Lys)

Gene: CYBA (cytochrome b-245 alpha chain; minus strand). Cytogenetic location: 16q24.2.
Variant type: single nucleotide variant.
Coding change: c.34G>A on transcript NM_000101.4 (MANE Select); coding-DNA position 34, G replaced by A.
Protein change: p.Glu12Lys; replaces glutamic acid 12 with lysine.
Molecular consequence: missense variant.
Genome position (GRCh38, 1-based): chr16:88,650,980, C>T on the plus strand (G>A on the coding strand, the complement: CYBA is on the minus strand). VCF-style: chr16-88650980-C-T. GRCh37 (hg19) VCF-style: chr16-88717388-C-T.
Other names: short protein forms E12K.
Identifiers: ClinVar variation 2166669 (VCV002166669.1), dbSNP rs1260396493, ClinGen allele CA397067774.

ClinVar aggregate classification (germline): Uncertain significance (1 of 4 stars; one submission).

Conditions:
Granulomatous disease, chronic, autosomal recessive, cytochrome b-negative. Also called: CGD DUE TO DEFICIENCY OF THE ALPHA SUBUNIT OF CYTOCHROME b; CGD, AUTOSOMAL RECESSIVE CYTOCHROME b-NEGATIVE; GRANULOMATOUS DISEASE, CHRONIC, AUTOSOMAL RECESSIVE, 4; Chronic granulomatous disease, autosomal, due to deficiency of CYBA; CYBA DEFICIENCY. Identifiers: Orphanet 379, MedGen C1856255, MONDO:0009308, OMIM 233690.

gnomAD v4.1: 5 of 1,596,690 alleles (0.00031%); highest among the groups gnomAD compares: Non-Finnish European, 0.00043%; no homozygotes.

Submission:

Labcorp Genetics (formerly Invitae), Labcorp
Classification: Uncertain significance for Granulomatous disease, chronic, autosomal recessive, cytochrome b-negative. Last evaluated: 2022-07-25. Review status: criteria provided, single submitter. Criteria: Invitae Variant Classification Sherloc (09022015). Collection method: clinical testing. Allele origin: germline.
Comment: This sequence change replaces glutamic acid, which is acidic and polar, with lysine, which is basic and polar, at codon 12 of the CYBA protein (p.Glu12Lys). This variant is not present in population databases (gnomAD no frequency). This variant has not been reported in the literature in individuals affected with CYBA-related conditions. Algorithms developed to predict the effect of missense changes on protein structure and function (SIFT, PolyPhen-2, Align-GVGD) all suggest that this variant is likely to be disruptive. In summary, the available evidence is currently insufficient to determine the role of this variant in disease. Therefore, it has been classified as a Variant of Uncertain Significance.